The following is an entry in ClinVar:

NM_007294.4(BRCA1):c.389A>T (p.Tyr130Phe)

Gene: BRCA1 (BRCA1 DNA repair associated; minus strand). Cytogenetic location: 17q21.31.
Variant type: single nucleotide variant.
Coding change: c.389A>T on transcript NM_007294.4 (MANE Select); coding-DNA position 389, A replaced by T.
Protein change: p.Tyr130Phe; replaces tyrosine 130 with phenylalanine.
Molecular consequence: missense variant. On other transcripts: non-coding transcript variant (1).
Genome position (GRCh38, 1-based): chr17:43,104,174, T>A on the plus strand (A>T on the coding strand, the complement: BRCA1 is on the minus strand). VCF-style: chr17-43104174-T-A. GRCh37 (hg19) VCF-style: chr17-41256191-T-A.
Other names: c.248A>T, p.Tyr83Phe (NM_001408467.1, NM_001408468.1, NM_001408469.1 and 99 more transcripts); c.389A>T, p.Tyr130Phe (NM_001408472.1, NM_001408473.1, NM_001408494.1 and 165 more transcripts); c.311A>T, p.Tyr104Phe (NM_001408474.1, NM_001408475.1, NM_001408476.1 and 21 more transcripts); c.179A>T, p.Tyr60Phe (NM_001408478.1, NM_001408479.1, NM_001408480.1 and 58 more transcripts); c.8A>T, p.Tyr3Phe (NM_001408510.1, NM_001408512.1, NM_001407959.1 and 4 more transcripts); c.380A>T, p.Tyr127Phe (NM_001407646.1, NM_001407647.1, NM_001408408.1); c.257A>T, p.Tyr86Phe (NM_001408451.1); short protein forms Y130F, Y83F, Y104F, Y127F, Y3F, Y60F, Y86F.
Identifiers: ClinVar variation 55041 (VCV000055041.21), dbSNP rs56055578, ClinGen allele CA002508.
Genomic context (GRCh38, chr17:43,104,174, plus strand): 5'-GGTTTTACCAAGGAAGGATTTTCGGGTTCACTCTGTAGAAGTCTTTTGGCACGGTTTCTG[T>A]AGCCCATACTTTGGATGATAGAAACTTCATCTTTTAGATGTTCAGGAGAGTTATTTTCCT-3'
Protein context (NP_009225.1, residues 120-140): DEVSIIQSMG[Tyr130Phe]RNRAKRLLQS

ClinVar aggregate classification (germline): Uncertain significance. Review status: criteria provided, multiple submitters, no conflicts (2 of 4 stars). 6 submissions from 6 submitters: Uncertain significance (5). 1 of the submissions does not count toward it. Last evaluated 2025-05-05.

Conditions:
Hereditary cancer-predisposing syndrome. Also called: Tumor predisposition; Neoplastic Syndromes, Hereditary; Hereditary neoplastic syndrome; Hereditary Cancer Syndrome. Identifiers: Orphanet 140162, MedGen C0027672, MeSH D009386, MONDO:0015356.
Hereditary breast ovarian cancer syndrome. Also called: BRCA1- and BRCA2-Associated Hereditary Breast and Ovarian Cancer; Hereditary breast and ovarian cancer syndrome (HBOC); Breast and ovarian cancer; Hereditary breast and ovarian cancer; Hereditary breast and/or ovarian cancer syndrome; Hereditary breast and ovarian cancer syndrome. Identifiers: Orphanet 145, MedGen C0677776, MeSH D061325, MONDO:0003582. Disease mechanism: loss of function.
Breast-ovarian cancer, familial, susceptibility to, 1 (BROVCA1). Also called: BRCA1 Hereditary Breast and Ovarian Cancer; OVARIAN CANCER, SUSCEPTIBILITY TO. Identifiers: Orphanet 145, MedGen C2676676, MONDO:0011450, OMIM 604370. Disease mechanism: loss of function.

Submissions (6):

Labcorp Genetics (formerly Invitae), Labcorp
Classification: Uncertain significance for Hereditary breast ovarian cancer syndrome. Last evaluated: 2025-05-05. Review status: criteria provided, single submitter. Criteria: Invitae Variant Classification Sherloc (09022015). Collection method: clinical testing. Allele origin: germline.
Comment: This sequence change replaces tyrosine, which is neutral and polar, with phenylalanine, which is neutral and non-polar, at codon 130 of the BRCA1 protein (p.Tyr130Phe). This variant is not present in population databases (gnomAD no frequency). This missense change has been observed in individual(s) with clinical features of BRCA1-related conditions (PMID: 10923033). ClinVar contains an entry for this variant (Variation ID: 55041). Invitae Evidence Modeling of protein sequence and biophysical properties (such as structural, functional, and spatial information, amino acid conservation, physicochemical variation, residue mobility, and thermodynamic stability) indicates that this missense variant is not expected to disrupt BRCA1 protein function with a negative predictive value of 80%. In summary, the available evidence is currently insufficient to determine the role of this variant in disease. Therefore, it has been classified as a Variant of Uncertain Significance.

Women's Health and Genetics/Laboratory Corporation of America, LabCorp
Classification: Uncertain significance. Last evaluated: 2025-04-04. Review status: criteria provided, single submitter. Criteria: LabCorp Variant Classification Summary - May 2015. Collection method: clinical testing. Allele origin: germline.
Comment: Variant summary: BRCA1 c.389A>T (p.Tyr130Phe) results in a conservative amino acid change located in the RING-finger-containing E3 ubiquitin ligase domain of the encoded protein sequence. Four of five in-silico tools predict a benign effect of the variant on protein function. The variant was absent in 251444 control chromosomes. The available data on variant occurrences in the general population are insufficient to allow any conclusion about variant significance. c.389A>T has been reported in the literature in at least one individuals affected with Hereditary Breast And Ovarian Cancer Syndrome (Judkins_2005). These report(s) do not provide unequivocal conclusions about association of the variant with Hereditary Breast And Ovarian Cancer Syndrome. To our knowledge, no experimental evidence demonstrating an impact on protein function has been reported. The following publication has been ascertained in the context of this evaluation (PMID: 16267036). ClinVar contains an entry for this variant (Variation ID: 55041). Based on the evidence outlined above, the variant was classified as uncertain significance.

Quest Diagnostics Nichols Institute San Juan Capistrano
Classification: Uncertain significance. Last evaluated: 2023-06-29. Review status: criteria provided, single submitter. Criteria: Quest Diagnostics criteria. Collection method: clinical testing. Allele origin: unknown.
Comment: In the published literature, this variant has been reported as part of a haplotype seen in patients with breast cancer in the published literature (PMID: 16267036 (2005)). This variant has not been reported in large, multi-ethnic general populations (Genome Aggregation Database). Analysis of this variant using bioinformatics tools for the prediction of the effect of amino acid changes on protein structure and function yielded conflicting predictions that this variant is benign or damaging. Based on the available information, we are unable to determine the clinical significance of this variant.

Ambry Genetics
Classification: Uncertain significance for Hereditary cancer-predisposing syndrome. Last evaluated: 2022-03-25. Review status: criteria provided, single submitter. Criteria: Ambry Variant Classification Scheme 2023. Collection method: clinical testing. Allele origin: germline.
Comment: The p.Y130F variant (also known as c.389A>T), located in coding exon 5 of the BRCA1 gene, results from an A to T substitution at nucleotide position 389. The tyrosine at codon 130 is replaced by phenylalanine, an amino acid with highly similar properties. This amino acid position is well conserved in available vertebrate species; however, phenylalanine is the reference amino acid in several species. In addition, the in silico prediction for this alteration is inconclusive. Since supporting evidence is limited at this time, the clinical significance of this alteration remains unclear.

Eurofins Ntd Llc (ga)
Classification: Uncertain significance. Last evaluated: 2014-03-03. Review status: criteria provided, single submitter. Criteria: EGL Classification Definitions 2015. Collection method: clinical testing. Allele origin: germline. Observed: 1 variant allele, 1 heterozygote.

Breast Cancer Information Core (BIC) (BRCA1)
Classification: Uncertain significance for Breast-ovarian cancer, familial 1. Last evaluated: 2006-07-19. Review status: no assertion criteria provided. Collection method: clinical testing. Allele origin: germline. Affected: yes. Observed: 2 variant alleles. Not counted in ClinVar's aggregate classification.

Literature cited by the submitters: PubMed 10923033 (cited by Labcorp Genetics (formerly Invitae), Labcorp); PubMed 16267036 (cited by Women's Health and Genetics/Laboratory Corporation of America, LabCorp and Quest Diagnostics Nichols Institute San Juan Capistrano).